The following is an entry in ClinVar:

ClinVar aggregate classification (germline): Uncertain significance. Review status: criteria provided, multiple submitters, no conflicts (2 of 4 stars). 2 submissions from 2 submitters: Uncertain significance (2). Last evaluated 2024-06-02.

Allele frequency attached by ClinVar (database versions not stated): ExAC 0.00002; gnomAD exomes 0.00002 and 0.00005; gnomAD 0.00004; TOPMed 0.00010.

Submissions (2):

Ambry Genetics
Classification: Uncertain significance. Last evaluated: 2024-06-02. Review status: criteria provided, single submitter. Criteria: Ambry Variant Classification Scheme 2023. Collection method: clinical testing. Allele origin: germline.

Labcorp Genetics (formerly Invitae), Labcorp
Classification: Uncertain significance. Last evaluated: 2023-11-21. Review status: criteria provided, single submitter. Criteria: Invitae Variant Classification Sherloc (09022015). Collection method: clinical testing. Allele origin: germline.
Comment: This sequence change replaces glycine, which is neutral and non-polar, with arginine, which is basic and polar, at codon 329 of the MCM4 protein (p.Gly329Arg). This variant is present in population databases (rs768674866, gnomAD 0.01%). This variant has not been reported in the literature in individuals affected with MCM4-related conditions. ClinVar contains an entry for this variant (Variation ID: 1360551). Advanced modeling of protein sequence and biophysical properties (such as structural, functional, and spatial information, amino acid conservation, physicochemical variation, residue mobility, and thermodynamic stability) performed at Invitae indicates that this missense variant is not expected to disrupt MCM4 protein function with a negative predictive value of 80%. In summary, the available evidence is currently insufficient to determine the role of this variant in disease. Therefore, it has been classified as a Variant of Uncertain Significance.

NM_182746.3(MCM4):c.985G>A (p.Gly329Arg)

Gene: MCM4 (minichromosome maintenance complex component 4; plus strand). Cytogenetic location: 8q11.21.
Variant type: single nucleotide variant.
Coding change: c.985G>A on transcript NM_182746.3 (MANE Select); coding-DNA position 985, G replaced by A.
Protein change: p.Gly329Arg; replaces glycine 329 with arginine.
Molecular consequence: missense variant.
Genome position (GRCh38, 1-based): chr8:47,966,339, G>A. VCF-style: chr8-47966339-G-A. GRCh37 (hg19) VCF-style: chr8-48878899-G-A.
Other names: c.985G>A, p.Gly329Arg (NM_005914.4); c.985G>A (NM_005914.3); short protein forms G329R.
Identifiers: ClinVar variation 1360551 (VCV001360551.5), dbSNP rs768674866, ClinGen allele CA4742480.